The following is an entry in ClinVar:

ClinVar aggregate classification (germline): Uncertain significance (1 of 4 stars; one submission).

Conditions:
Hereditary cancer-predisposing syndrome. Also called: Neoplastic Syndromes, Hereditary; Tumor predisposition; Hereditary Cancer Syndrome; Hereditary neoplastic syndrome. Identifiers: Orphanet 140162, MedGen C0027672, MeSH D009386, MONDO:0015356.

Submission:

Ambry Genetics
Classification: Uncertain significance for Hereditary cancer-predisposing syndrome. Last evaluated: 2025-12-21. Review status: criteria provided, single submitter. Criteria: Ambry Variant Classification Scheme 2023. Collection method: clinical testing. Allele origin: germline.
Comment: The p.E403D variant (also known as c.1209A>C), located in coding exon 10 of the MRE11A gene, results from an A to C substitution at nucleotide position 1209. The glutamic acid at codon 403 is replaced by aspartic acid, an amino acid with highly similar properties. This amino acid position is conserved. In addition, this alteration is predicted to be tolerated by in silico analysis. Based on the available evidence, the clinical significance of this variant remains unclear.

NM_005591.4(MRE11):c.1209A>C (p.Glu403Asp)

Gene: MRE11 (MRE11 double strand break repair nuclease; minus strand). Cytogenetic location: 11q21.
Variant type: single nucleotide variant.
Coding change: c.1209A>C on transcript NM_005591.4 (MANE Select); coding-DNA position 1209, A replaced by C.
Protein change: p.Glu403Asp; replaces glutamic acid 403 with aspartic acid.
Molecular consequence: missense variant.
Genome position (GRCh38, 1-based): chr11:94,464,129, T>G on the plus strand (A>C on the coding strand, the complement: MRE11 is on the minus strand). VCF-style: chr11-94464129-T-G. GRCh37 (hg19) VCF-style: chr11-94197295-T-G.
Other names: c.1209A>C, p.Glu403Asp (NM_001440460.1, NM_001440461.1, NM_001440462.1 and 15 more transcripts); c.1134A>C, p.Glu378Asp (NM_001440471.1, NM_001440472.1, NM_001440479.1); c.1128A>C, p.Glu376Asp (NM_001440473.1, NM_001440477.1, NM_001440478.1); c.741A>C, p.Glu247Asp (NM_001440485.1, NM_001440486.1, NM_001440487.1); c.864A>C, p.Glu288Asp (NM_001440482.1, NM_001440483.1, NM_001440484.1); short protein forms E378D, E376D, E247D, E403D, E288D.
Identifiers: ClinVar variation 4842894 (VCV004842894.1).
Genomic context (GRCh38, chr11:94,464,129, plus strand): 5'-TCCTATAAGAACATTTTTTTACCTCATAAAAATAACTAGCTTACCTGTTTTTTCCTTTTG[T>G]TCTCTATGCCTGAAAAAATGGATAATGTCTTTTGGATTAGCTACCCGATCCACAAATTTC-3'
Protein context (NP_005582.1, residues 393-413): KDIIHFFRHR[Glu403Asp]QKEKTGEEIN